The following is an entry in ClinVar:

ClinVar aggregate classification (germline): Benign/Likely benign. Review status: criteria provided, multiple submitters, no conflicts (2 of 4 stars). 7 submissions from 7 submitters: Benign (5); Likely benign (1). 1 of the submissions does not count toward it. Last evaluated 2026-01-15.

Conditions:
NEK1-related disorder. Also called: NEK1-related condition.
Short-rib thoracic dysplasia 6 with or without polydactyly (SRTD6). Also called: Majewski Syndrome; SHORT-RIB THORACIC DYSPLASIA 6 WITH POLYDACTYLY; SHORT-RIB THORACIC DYSPLASIA 6 WITHOUT POLYDACTYLY; SHORT RIB-POLYDACTYLY SYNDROME, TYPE IIA; POLYDACTYLY WITH NEONATAL CHONDRODYSTROPHY, TYPE II. Identifiers: MedGen C0024507, MONDO:0009894, OMIM 263520.

Allele frequency attached by ClinVar (database versions not stated): gnomAD exomes 0.00035 and 0.00105; ExAC 0.00134; gnomAD 0.00298 and 0.00301; ESP Exome Variant Server 0.00321; TOPMed 0.00326; 1000 Genomes Project 30x 0.00609; 1000 Genomes Project 0.00699.
gnomAD v4.1: 1,020 of 1,609,494 alleles (0.063%); highest among the groups gnomAD compares: African/African-American, 0.99%; 3 homozygotes.

Submissions (7):

Labcorp Genetics (formerly Invitae), Labcorp
Classification: Benign for Short-rib thoracic dysplasia 6 with or without polydactyly. Last evaluated: 2026-01-15. Review status: criteria provided, single submitter. Criteria: Invitae Variant Classification Sherloc (09022015). Collection method: clinical testing. Allele origin: germline.

Blueprint Genetics
Classification: Likely benign. Last evaluated: 2024-11-13. Review status: criteria provided, single submitter. Criteria: ACMG Guidelines, 2015. Collection method: clinical testing. Allele origin: germline.

ARUP Laboratories, Molecular Genetics and Genomics, ARUP Laboratories
Classification: Benign. Last evaluated: 2024-02-29. Review status: criteria provided, single submitter. Criteria: ARUP Molecular Germline Variant Investigation Process 2024. Collection method: clinical testing. Allele origin: germline.

GeneDx
Classification: Benign. Last evaluated: 2018-10-30. Review status: criteria provided, single submitter. Criteria: GeneDx Variant Classification Process June 2021. Collection method: clinical testing. Allele origin: germline. Affected: yes.

Illumina Laboratory Services, Illumina
Classification: Benign for Short-rib thoracic dysplasia 6 with or without polydactyly. Last evaluated: 2018-01-13. Review status: criteria provided, single submitter. Criteria: ICSL Variant Classification Criteria 13 December 2019. Collection method: clinical testing. Allele origin: germline.
Comment: This variant was observed in the ICSL laboratory as part of a predisposition screen in an ostensibly healthy population. It had not been previously curated by ICSL or reported in the Human Gene Mutation Database (HGMD: prior to June 1st, 2018), and was therefore a candidate for classification through an automated scoring system. Utilizing variant allele frequency, disease prevalence and penetrance estimates, and inheritance mode, an automated score was calculated to assess if this variant is too frequent to cause the disease. Based on the score and internal cut-off values, a variant classified as benign is not then subjected to further curation. The score for this variant resulted in a classification of benign for this disease.

Breakthrough Genomics
Classification: Benign. Review status: criteria provided, single submitter. Criteria: ACMG Guidelines, 2015. Collection method: not provided. Allele origin: germline. Inheritance: Autosomal recessive inheritance. Affected: yes.

PreventionGenetics, part of Exact Sciences
Classification: Likely benign for NEK1-related condition. Last evaluated: 2019-04-01. Review status: no assertion criteria provided. Collection method: clinical testing. Allele origin: germline. Not counted in ClinVar's aggregate classification.
Comment: This variant is classified as likely benign based on ACMG/AMP sequence variant interpretation guidelines (Richards et al. 2015 PMID: 25741868, with internal and published modifications).

NM_001199397.3(NEK1):c.3285C>T (p.Pro1095=)

Gene: NEK1 (NIMA related kinase 1; minus strand). Cytogenetic location: 4q33.
Variant type: single nucleotide variant.
Coding change: c.3285C>T on transcript NM_001199397.3 (MANE Select); coding-DNA position 3285, C replaced by T.
Protein change: p.Pro1095=; no amino-acid change (proline 1095 retained).
Molecular consequence: synonymous variant. On other transcripts: non-coding transcript variant (1).
Genome position (GRCh38, 1-based): chr4:169,406,685, G>A on the plus strand (C>T on the coding strand, the complement: NEK1 is on the minus strand). VCF-style: chr4-169406685-G-A. GRCh37 (hg19) VCF-style: chr4-170327836-G-A.
Other names: c.3153C>T, p.Pro1051= (NM_001199398.3); c.2994C>T, p.Pro998= (NM_001199399.3); c.3069C>T, p.Pro1023= (NM_001199400.3); c.3285C>T, p.Pro1095= (NM_001374418.1); c.3201C>T, p.Pro1067= (NM_001374419.1, NM_012224.4); c.3150C>T, p.Pro1050= (NM_001374420.1); c.2802C>T, p.Pro934= (NM_001374421.1).
Identifiers: ClinVar variation 457136 (VCV000457136.27), dbSNP rs140408058, ClinGen allele CA3137194.